The following is an entry in ClinVar:

ClinVar aggregate classification (germline): Likely benign (1 of 4 stars; one submission).

Submission:

CeGaT Center for Human Genetics Tuebingen
Classification: Likely benign. Last evaluated: 2026-05-01. Review status: criteria provided, single submitter. Criteria: CeGaT Center For Human Genetics Tuebingen Variant Classification Criteria Version 2. Collection method: clinical testing. Allele origin: germline. Affected: yes. Observed: 1 variant allele.
Comment: RAP1B: PM2:Supporting, BP4, BP7

NM_001010942.3(RAP1B):c.132T>C (p.Val44=)

Gene: RAP1B (RAP1B, member of RAS oncogene family; plus strand). Cytogenetic location: 12q15.
Variant type: single nucleotide variant.
Coding change: c.132T>C on transcript NM_001010942.3 (MANE Select); coding-DNA position 132, T replaced by C.
Protein change: p.Val44=; no amino-acid change (valine 44 retained).
Molecular consequence: synonymous variant. On other transcripts: intron variant (3).
Genome position (GRCh38, 1-based): chr12:68,652,000, T>C. VCF-style: chr12-68652000-T-C. GRCh37 (hg19) VCF-style: chr12-69045780-T-C.
Other names: c.132T>C, p.Val44= (NM_001251922.2, NM_015646.6); c.58-2112T>C (NM_001251917.2, NM_001251918.2); c.126+1532T>C (NM_001251921.2).
Identifiers: ClinVar variation 4874843 (VCV004874843.2).